The following is an entry in ClinVar:

NM_000264.5(PTCH1):c.2114C>T (p.Thr705Ile)

Genes: PTCH1 (patched 1; minus strand), LOC100507346 (uncharacterized LOC100507346; plus strand). Cytogenetic location: 9q22.32.
Variant type: single nucleotide variant.
Coding change: c.2114C>T on transcript NM_000264.5 (MANE Select); coding-DNA position 2114, C replaced by T.
Protein change: p.Thr705Ile; replaces threonine 705 with isoleucine.
Molecular consequence: missense variant. On other transcripts: non-coding transcript variant (2).
Genome position (GRCh38, 1-based): chr9:95,468,887, G>A on the plus strand (C>T on the coding strand, the complement: PTCH1 is on the minus strand). VCF-style: chr9-95468887-G-A. GRCh37 (hg19) VCF-style: chr9-98231169-G-A.
Other names: c.1916C>T, p.Thr639Ile (NM_001083602.3); c.2111C>T, p.Thr704Ile (NM_001083603.3); c.1661C>T, p.Thr554Ile (NM_001083604.3, NM_001083605.3, NM_001083606.3 and 1 more transcripts); c.1958C>T, p.Thr653Ile (NM_001354918.2); short protein forms T639I, T653I, T705I, T554I, T704I.
Identifiers: ClinVar variation 2156432 (VCV002156432.4), dbSNP rs2118036535, ClinGen allele CA374115626.

ClinVar aggregate classification (germline): Uncertain significance (1 of 4 stars; one submission).

Conditions:
Gorlin syndrome. Also called: Nevoid Basal Cell Carcinoma Syndrome; Basal cell nevus syndrome. Identifiers: Orphanet 377, MedGen C0004779, MONDO:0007187.

Submission:

Labcorp Genetics (formerly Invitae), Labcorp
Classification: Uncertain significance for Gorlin syndrome. Last evaluated: 2022-09-13. Review status: criteria provided, single submitter. Criteria: Invitae Variant Classification Sherloc (09022015). Collection method: clinical testing. Allele origin: germline.
Comment: This sequence change replaces threonine, which is neutral and polar, with isoleucine, which is neutral and non-polar, at codon 705 of the PTCH1 protein (p.Thr705Ile). This variant is not present in population databases (gnomAD no frequency). This variant has not been reported in the literature in individuals affected with PTCH1-related conditions. Advanced modeling of protein sequence and biophysical properties (such as structural, functional, and spatial information, amino acid conservation, physicochemical variation, residue mobility, and thermodynamic stability) performed at Invitae indicates that this missense variant is not expected to disrupt PTCH1 protein function. In summary, the available evidence is currently insufficient to determine the role of this variant in disease. Therefore, it has been classified as a Variant of Uncertain Significance.